The following is an entry in ClinVar:

NM_003482.4(KMT2D):c.9499C>T (p.Arg3167Trp)

Gene: KMT2D (lysine methyltransferase 2D; minus strand). Cytogenetic location: 12q13.12.
Variant type: single nucleotide variant.
Coding change: c.9499C>T on transcript NM_003482.4 (MANE Select); coding-DNA position 9499, C replaced by T.
Protein change: p.Arg3167Trp; replaces arginine 3167 with tryptophan.
Molecular consequence: missense variant.
Genome position (GRCh38, 1-based): chr12:49,037,857, G>A on the plus strand (C>T on the coding strand, the complement: KMT2D is on the minus strand). VCF-style: chr12-49037857-G-A. GRCh37 (hg19) VCF-style: chr12-49431640-G-A.
Other names: short protein forms R3167W.
Identifiers: ClinVar variation 995182 (VCV000995182.15), dbSNP rs370155635, ClinGen allele CA6546685.
Genomic context (GRCh38, chr12:49,037,857, plus strand): 5'-CCCCAAAGGAGGCCTTCTCAGCTGTGTGCCCACTGCTAGAAAATGGCCCTGTGCCCATCC[G>A]GGTATCCCGGCTGCCCATCATGCTCTGTCCTGGCTTTAGCCCCAGGCCAAGGGAATTGGC-3'
Protein context (NP_003473.3, residues 3157-3177): GQSMMGSRDT[Arg3167Trp]MGTGPFSSSG

ClinVar aggregate classification (germline): Conflicting classifications of pathogenicity. Review status: criteria provided, conflicting classifications (1 of 4 stars). 6 submissions from 6 submitters: Uncertain significance (2); Benign (1); Likely benign (3). Last evaluated 2026-06-01.

Conditions:
KMT2D-related disorder. Also called: KMT2D-Related Disorders.
Kabuki syndrome. Also called: NIIKAWA-KUROKI SYNDROME; Kabuki make-up syndrome. Identifiers: Orphanet 2322, MedGen C0796004, MONDO:0016512.
Choanal atresia-athelia-hypothyroidism-delayed puberty-short stature syndrome (BCAHH). Also called: BRANCHIAL ARCH ABNORMALITIES, CHOANAL ATRESIA, ATHELIA, HEARING LOSS, AND HYPOTHYROIDISM SYNDROME. Identifiers: Orphanet 589856, MedGen C5680310, MONDO:0035651, OMIM 620186.
Kabuki syndrome 1 (KABUK1). Also called: KMT2D-Related Kabuki Syndrome. Identifiers: Orphanet 2322, MedGen CN030661, MONDO:0007843, OMIM 147920.

Allele frequency attached by ClinVar (database versions not stated): gnomAD exomes 0.00002; TOPMed 0.00002; gnomAD 0.00003 and 0.00004; ExAC 0.00007; ESP Exome Variant Server 0.00016.
gnomAD v4.1: 33 of 1,596,074 alleles (0.0021%); highest among the groups gnomAD compares: Non-Finnish European, 0.0026%; no homozygotes.

Submissions (6):

CeGaT Center for Human Genetics Tuebingen
Classification: Likely benign. Last evaluated: 2026-06-01. Review status: criteria provided, single submitter. Criteria: CeGaT Center For Human Genetics Tuebingen Variant Classification Criteria Version 2. Collection method: clinical testing. Allele origin: germline. Affected: yes. Observed: 1 variant allele.
Comment: KMT2D: BS1

Labcorp Genetics (formerly Invitae), Labcorp
Classification: Benign for Kabuki syndrome. Last evaluated: 2025-07-31. Review status: criteria provided, single submitter. Criteria: Invitae Variant Classification Sherloc (09022015). Collection method: clinical testing. Allele origin: germline.

PreventionGenetics, part of Exact Sciences
Classification: Likely benign for KMT2D-related condition. Last evaluated: 2024-10-11. Review status: criteria provided, single submitter. Criteria: ACMG Guidelines, 2015. Collection method: clinical testing. Allele origin: germline.
Comment: This variant is classified as likely benign based on ACMG/AMP sequence variant interpretation guidelines (Richards et al. 2015 PMID: 25741868, with internal and published modifications).

Fulgent Genetics
Classification: Likely benign for Kabuki syndrome 1; Choanal atresia-athelia-hypothyroidism-delayed puberty-short stature syndrome. Last evaluated: 2024-03-26. Review status: criteria provided, single submitter. Criteria: ACMG Guidelines, 2015. Collection method: clinical testing. Allele origin: germline.

GeneDx
Classification: Uncertain significance. Last evaluated: 2021-12-30. Review status: criteria provided, single submitter. Criteria: GeneDx Variant Classification Process June 2021. Collection method: clinical testing. Allele origin: germline. Affected: yes.
Comment: In silico analysis supports that this missense variant has a deleterious effect on protein structure/function; Has not been previously published as pathogenic or benign to our knowledge; This variant is associated with the following publications: (PMID: 29627316)

Athena Diagnostics
Classification: Uncertain significance. Last evaluated: 2020-06-18. Review status: criteria provided, single submitter. Criteria: Athena Diagnostics Criteria. Collection method: clinical testing. Allele origin: unknown.